The following is an entry in ClinVar:

ClinVar aggregate classification (germline): Benign. Review status: criteria provided, multiple submitters, no conflicts (2 of 4 stars). 2 submissions from 2 submitters: Benign (2). Last evaluated 2018-01-13.

Conditions:
Autosomal dominant pseudohypoaldosteronism type 1. Also called: Pseudohypoaldosteronism, Type I, Autosomal Dominant; PHA I, AUTOSOMAL DOMINANT; Pseudohypoaldosteronism, Type I, Dominant. Identifiers: Orphanet 171871, Orphanet 756, MedGen C1449842, MONDO:0008329, OMIM 177735.

Allele frequency attached by ClinVar (database versions not stated): gnomAD 0.00066 and 0.00076; TOPMed 0.00073; 1000 Genomes Project 30x 0.00281; 1000 Genomes Project 0.00300.
gnomAD v4.1: 114 of 152,790 alleles (0.075%); highest among the groups gnomAD compares: East Asian, 1.4%; no homozygotes.

Submissions (2):

Illumina Laboratory Services, Illumina
Classification: Benign for Autosomal dominant pseudohypoaldosteronism type 1. Last evaluated: 2018-01-13. Review status: criteria provided, single submitter. Criteria: ICSL Variant Classification Criteria 13 December 2019. Collection method: clinical testing. Allele origin: germline.
Comment: This variant was observed in the ICSL laboratory as part of a predisposition screen in an ostensibly healthy population. It had not been previously curated by ICSL or reported in the Human Gene Mutation Database (HGMD: prior to June 1st, 2018), and was therefore a candidate for classification through an automated scoring system. Utilizing variant allele frequency, disease prevalence and penetrance estimates, and inheritance mode, an automated score was calculated to assess if this variant is too frequent to cause the disease. Based on the score and internal cut-off values, a variant classified as benign is not then subjected to further curation. The score for this variant resulted in a classification of benign for this disease.

Breakthrough Genomics
Classification: Benign. Review status: criteria provided, single submitter. Criteria: ACMG Guidelines, 2015. Collection method: not provided. Allele origin: germline. Inheritance: Autosomal dominant inheritance. Affected: yes.

NM_000901.5(NR3C2):c.*2410T>C

Gene: NR3C2 (nuclear receptor subfamily 3 group C member 2; minus strand). Cytogenetic location: 4q31.23.
Variant type: single nucleotide variant.
Coding change: c.*2410T>C on transcript NM_000901.5 (MANE Select); 2410 bases downstream of the stop codon, T replaced by C.
Molecular consequence: 3 prime UTR variant. On other transcripts: non-coding transcript variant (1).
Genome position (GRCh38, 1-based): chr4:148,078,934, A>G on the plus strand (T>C on the coding strand, the complement: NR3C2 is on the minus strand). VCF-style: chr4-148078934-A-G. GRCh37 (hg19) VCF-style: chr4-149000085-A-G.
Other names: c.*2410T>C (NM_001166104.2, NM_001354819.1).
Identifiers: ClinVar variation 347674 (VCV000347674.6), dbSNP rs186309103, ClinGen allele CA10617148.